The following is an entry in ClinVar:

NM_001002295.2(GATA3):c.1266G>A (p.Pro422=)

Gene: GATA3 (GATA binding protein 3; plus strand). Cytogenetic location: 10p14.
Variant type: single nucleotide variant.
Coding change: c.1266G>A on transcript NM_001002295.2 (MANE Select); coding-DNA position 1266, G replaced by A.
Protein change: p.Pro422=; no amino-acid change (proline 422 retained).
Molecular consequence: synonymous variant.
Genome position (GRCh38, 1-based): chr10:8,073,954, G>A. VCF-style: chr10-8073954-G-A. GRCh37 (hg19) VCF-style: chr10-8115917-G-A.
Other names: c.1263G>A, p.Pro421= (NM_002051.3).
Identifiers: ClinVar variation 301129 (VCV000301129.15), dbSNP rs541782074, ClinGen allele CA5404582.
Genomic context (GRCh38, chr10:8,073,954, plus strand): 5'-CTCCCTGAGCCACATCTCGCCCTTCAGCCACTCCAGCCACATGCTGACCACGCCCACGCC[G>A]ATGCACCCGCCATCCAGCCTGTCCTTTGGACCACACCACCCCTCCAGCATGGTCACCGCC-3'
Protein context (NP_001002295.1, residues 412-432): HSSHMLTTPT[Pro422=]MHPPSSLSFG

ClinVar aggregate classification (germline): Conflicting classifications of pathogenicity. Review status: criteria provided, conflicting classifications (1 of 4 stars). 2 submissions from 2 submitters: Uncertain significance (1); Likely benign (1). Last evaluated 2025-04-01.

Conditions:
Hypoparathyroidism, deafness, renal disease syndrome (HDRS). Also called: HYPOPARATHYROIDISM, SENSORINEURAL DEAFNESS, AND RENAL DYSPLASIA SYNDROME. Identifiers: Orphanet 2237, MedGen C1840333, MONDO:0007797, OMIM 146255.

Allele frequency attached by ClinVar (database versions not stated): gnomAD 0.00001; gnomAD exomes 0.00001 and 0.00002; TOPMed 0.00001; ExAC 0.00002; 1000 Genomes Project 30x 0.00016; 1000 Genomes Project 0.00020.
gnomAD v4.1: 32 of 1,614,040 alleles (0.002%); highest among the groups gnomAD compares: South Asian, 0.0077%; no homozygotes.

Submissions (2):

CeGaT Center for Human Genetics Tuebingen
Classification: Likely benign. Last evaluated: 2025-04-01. Review status: criteria provided, single submitter. Criteria: CeGaT Center For Human Genetics Tuebingen Variant Classification Criteria Version 2. Collection method: clinical testing. Allele origin: germline. Affected: yes. Observed: 1 variant allele.
Comment: GATA3: BP4, BP7

Illumina Laboratory Services, Illumina
Classification: Uncertain significance for Hypoparathyroidism, deafness, renal disease syndrome. Last evaluated: 2018-01-12. Review status: criteria provided, single submitter. Criteria: ICSL Variant Classification Criteria 13 December 2019. Collection method: clinical testing. Allele origin: germline.